The following is an entry in ClinVar:

ClinVar aggregate classification (germline): Conflicting classifications of pathogenicity. Review status: criteria provided, conflicting classifications (1 of 4 stars). 3 submissions from 3 submitters: Uncertain significance (2); Likely benign (1). Last evaluated 2024-05-09.

Conditions:
Hereditary cancer-predisposing syndrome. Also called: Hereditary Cancer Syndrome; Hereditary neoplastic syndrome; Neoplastic Syndromes, Hereditary; Tumor predisposition. Identifiers: Orphanet 140162, MedGen C0027672, MeSH D009386, MONDO:0015356.
Hereditary breast ovarian cancer syndrome. Also called: Hereditary breast and ovarian cancer; Breast and ovarian cancer; Hereditary breast and ovarian cancer syndrome; Hereditary breast and/or ovarian cancer syndrome; BRCA1- and BRCA2-Associated Hereditary Breast and Ovarian Cancer; Hereditary breast and ovarian cancer syndrome (HBOC). Identifiers: Orphanet 145, MedGen C0677776, MeSH D061325, MONDO:0003582. Disease mechanism: loss of function.

Submissions (3):

Ambry Genetics
Classification: Uncertain significance for Hereditary cancer-predisposing syndrome. Last evaluated: 2024-05-09. Review status: criteria provided, single submitter. Criteria: Ambry Variant Classification Scheme 2023. Collection method: clinical testing. Allele origin: germline.
Comment: The p.E919Q variant (also known as c.2755G>C), located in coding exon 10 of the BRCA2 gene, results from a G to C substitution at nucleotide position 2755. The glutamic acid at codon 919 is replaced by glutamine, an amino acid with highly similar properties. This amino acid position is not well conserved in available vertebrate species. In addition, this alteration is predicted to be tolerated by in silico analysis. Based on the available evidence, the clinical significance of this variant remains unclear.

University of Washington Department of Laboratory Medicine, University of Washington
Classification: Likely benign for Hereditary cancer-predisposing syndrome. Last evaluated: 2023-03-23. Review status: criteria provided, single submitter. Criteria: Dines et al. (Genet Med. 2020). Collection method: curation. Allele origin: germline.
Comment: Missense variant in a coldspot region where missense variants are very unlikely to be pathogenic (PMID:31911673).

BRCA2 exon 11 coldspot. Reclassification based on statistical prior probability.

Labcorp Genetics (formerly Invitae), Labcorp
Classification: Uncertain significance for Hereditary breast ovarian cancer syndrome. Last evaluated: 2020-06-01. Review status: criteria provided, single submitter. Criteria: Invitae Variant Classification Sherloc (09022015). Collection method: clinical testing. Allele origin: germline.
Comment: This sequence change replaces glutamic acid with glutamine at codon 919 of the BRCA2 protein (p.Glu919Gln). The glutamic acid residue is weakly conserved and there is a small physicochemical difference between glutamic acid and glutamine. This variant is not present in population databases (ExAC no frequency). This variant has not been reported in the literature in individuals with BRCA2-related conditions. ClinVar contains an entry for this variant (Variation ID: 441503). Algorithms developed to predict the effect of missense changes on protein structure and function are either unavailable or do not agree on the potential impact of this missense change (SIFT: "Tolerated"; PolyPhen-2: "Possibly Damaging"; Align-GVGD: "Class C0"). In summary, the available evidence is currently insufficient to determine the role of this variant in disease. Therefore, it has been classified as a Variant of Uncertain Significance.

NM_000059.4(BRCA2):c.2755G>C (p.Glu919Gln)

Gene: BRCA2 (BRCA2 DNA repair associated; plus strand). Cytogenetic location: 13q13.1.
Variant type: single nucleotide variant.
Coding change: c.2755G>C on transcript NM_000059.4 (MANE Select); coding-DNA position 2755, G replaced by C.
Protein change: p.Glu919Gln; replaces glutamic acid 919 with glutamine.
Molecular consequence: missense variant.
Genome position (GRCh38, 1-based): chr13:32,337,110, G>C. VCF-style: chr13-32337110-G-C. GRCh37 (hg19) VCF-style: chr13-32911247-G-C.
Other names: short protein forms E919Q.
Identifiers: ClinVar variation 441503 (VCV000441503.17), dbSNP rs431825298, ClinGen allele CA387773650.
Genomic context (GRCh38, chr13:32,337,110, plus strand): 5'-AATAATCTTGCTTTAGGAAATACTAAGGAACTTCATGAAACAGACTTGACTTGTGTAAAC[G>C]AACCCATTTTCAAGAACTCTACCATGGTTTTATATGGAGACACAGGTGATAAACAAGCAA-3'
Protein context (NP_000050.3, residues 909-929): LHETDLTCVN[Glu919Gln]PIFKNSTMVL